The following is an entry in ClinVar:

ClinVar aggregate classification (germline): Uncertain significance (1 of 4 stars; one submission).

Allele frequency attached by ClinVar (database versions not stated): ExAC 0.00001; gnomAD exomes 0.00002; TOPMed 0.00002.
gnomAD v4.1: 31 of 1,614,184 alleles (0.0019%); highest among the groups gnomAD compares: Non-Finnish European, 0.0025%; no homozygotes.

Submission:

Labcorp Genetics (formerly Invitae), Labcorp
Classification: Uncertain significance. Last evaluated: 2023-08-19. Review status: criteria provided, single submitter. Criteria: Invitae Variant Classification Sherloc (09022015). Collection method: clinical testing. Allele origin: germline.
Comment: This sequence change replaces alanine, which is neutral and non-polar, with serine, which is neutral and polar, at codon 949 of the FAT2 protein (p.Ala949Ser). This variant is present in population databases (rs761199516, gnomAD 0.003%). This variant has not been reported in the literature in individuals affected with FAT2-related conditions. ClinVar contains an entry for this variant (Variation ID: 2179766). An algorithm developed to predict the effect of missense changes on protein structure and function (PolyPhen-2) suggests that this variant is likely to be disruptive. In summary, the available evidence is currently insufficient to determine the role of this variant in disease. Therefore, it has been classified as a Variant of Uncertain Significance.

NM_001447.3(FAT2):c.2845G>T (p.Ala949Ser)

Gene: FAT2 (FAT atypical cadherin 2; minus strand). Cytogenetic location: 5q33.1.
Variant type: single nucleotide variant.
Coding change: c.2845G>T on transcript NM_001447.3 (MANE Select); coding-DNA position 2845, G replaced by T.
Protein change: p.Ala949Ser; replaces alanine 949 with serine.
Molecular consequence: missense variant.
Genome position (GRCh38, 1-based): chr5:151,566,087, C>A on the plus strand (G>T on the coding strand, the complement: FAT2 is on the minus strand). VCF-style: chr5-151566087-C-A. GRCh37 (hg19) VCF-style: chr5-150945648-C-A.
Other names: short protein forms A949S.
Identifiers: ClinVar variation 2179766 (VCV002179766.4), dbSNP rs761199516, ClinGen allele CA3521987.